The following is an entry in ClinVar:

ClinVar aggregate classification (germline): Likely pathogenic (1 of 4 stars; one submission).

Conditions:
ALDH18A1-related de Barsy syndrome. Also called: DE BARSY SYNDROME A; Cutis laxa, autosomal recessive IIIA. Identifiers: Orphanet 2962, Orphanet 35664, MedGen C5234852, MONDO:0009053, OMIM 219150.
Autosomal recessive complex spastic paraplegia type 9B. Also called: Spastic paraplegia 9b, autosomal recessive. Identifiers: Orphanet 447760, MedGen C5568980, MONDO:0014702, OMIM 616586.

Submission:

Diagnostics Services (NGS), CSIR - Centre For Cellular And Molecular Biology
Classification: Likely pathogenic for ALDH18A1-related de Barsy syndrome; Autosomal recessive complex spastic paraplegia type 9B. Last evaluated: 2026-08-24. Review status: criteria provided, single submitter. Criteria: ACMG Guidelines, 2015. Collection method: clinical testing. Allele origin: germline. Affected: no. Observed: 1 variant allele, 1 heterozygote.

NM_002860.4(ALDH18A1):c.428C>A (p.Ser143Ter)

Gene: ALDH18A1 (aldehyde dehydrogenase 18 family member A1; minus strand). Cytogenetic location: 10q24.1.
Variant type: single nucleotide variant.
Coding change: c.428C>A on transcript NM_002860.4 (MANE Select); coding-DNA position 428, C replaced by A.
Protein change: p.Ser143Ter; replaces serine 143 with a stop codon.
Molecular consequence: nonsense. On other transcripts: intron variant (1).
Genome position (GRCh38, 1-based): chr10:95,637,312, G>T on the plus strand (C>A on the coding strand, the complement: ALDH18A1 is on the minus strand). VCF-style: chr10-95637312-G-T. GRCh37 (hg19) VCF-style: chr10-97397069-G-T.
Other names: c.428C>A, p.Ser143Ter (NM_001017423.2, NM_001323413.2, NM_001323414.2 and 2 more transcripts); c.95C>A, p.Ser32Ter (NM_001323412.2, NM_001323416.2, NM_001323418.2); c.-78-3663C>A (NM_001323419.2); short protein forms S143*, S32*.
Identifiers: ClinVar variation 4974990 (VCV004974990.1).
Genomic context (GRCh38, chr10:95,637,312, plus strand): 5'-AGATCCATTTCAATGTGTGGGGAAGCAGCACTCACCATTTCTTTCAGCTGGTTCTGCCCC[G>T]AGTGGAGGGCCTGCCGCACGCTCTGAGACAGAAGGATCTCATGGCGCAAGCGTTGTTTGC-3'